The following is an entry in ClinVar:

NM_145045.5(ODAD3):c.1021G>T (p.Ala341Ser)

Gene: ODAD3 (outer dynein arm docking complex subunit 3; minus strand). Cytogenetic location: 19p13.2.
Variant type: single nucleotide variant.
Coding change: c.1021G>T on transcript NM_145045.5 (MANE Select); coding-DNA position 1021, G replaced by T.
Protein change: p.Ala341Ser; replaces alanine 341 with serine.
Molecular consequence: missense variant.
Genome position (GRCh38, 1-based): chr19:11,423,972, C>A on the plus strand (G>T on the coding strand, the complement: ODAD3 is on the minus strand). VCF-style: chr19-11423972-C-A. GRCh37 (hg19) VCF-style: chr19-11534641-C-A.
Other names: c.859G>T, p.Ala287Ser (NM_001302453.1); c.841G>T, p.Ala281Ser (NM_001302454.2); short protein forms A281S, A287S, A341S.
Identifiers: ClinVar variation 977566 (VCV000977566.7), dbSNP rs1408368135, ClinGen allele CA404121803.

ClinVar aggregate classification (germline): Uncertain significance. Review status: criteria provided, multiple submitters, no conflicts (2 of 4 stars). 2 submissions from 2 submitters: Uncertain significance (2). Last evaluated 2021-12-18.

Conditions:
Primary ciliary dyskinesia 30. Also called: CILIARY DYSKINESIA, PRIMARY, 30, WITH OR WITHOUT SITUS INVERSUS. Identifiers: Orphanet 244, MedGen C4015016, MONDO:0014465, OMIM 616037.
Primary ciliary dyskinesia. Also called: Ciliary dyskinesia. Identifiers: Orphanet 244, MedGen C0008780, MONDO:0016575, HP:0012265.

Allele frequency attached by ClinVar (database versions not stated): gnomAD exomes below 0.00001.
gnomAD v4.1: 3 of 1,613,202 alleles (0.00019%); highest among the groups gnomAD compares: Non-Finnish European, 0.00025%; no homozygotes.

Submissions (2):

Labcorp Genetics (formerly Invitae), Labcorp
Classification: Uncertain significance for Primary ciliary dyskinesia 30. Last evaluated: 2021-12-18. Review status: criteria provided, single submitter. Criteria: Invitae Variant Classification Sherloc (09022015). Collection method: clinical testing. Allele origin: germline.
Comment: ClinVar contains an entry for this variant (Variation ID: 977566). This variant has not been reported in the literature in individuals affected with CCDC151-related conditions. This variant is present in population databases (no rsID available, gnomAD 0.0009%). This sequence change replaces alanine, which is neutral and non-polar, with serine, which is neutral and polar, at codon 341 of the CCDC151 protein (p.Ala341Ser). Algorithms developed to predict the effect of missense changes on protein structure and function output the following: SIFT: "Tolerated"; PolyPhen-2: "Benign"; Align-GVGD: "Class C0". The serine amino acid residue is found in multiple mammalian species, which suggests that this missense change does not adversely affect protein function. In summary, the available evidence is currently insufficient to determine the role of this variant in disease. Therefore, it has been classified as a Variant of Uncertain Significance.

UNC Molecular Genetics  Laboratory, University of North Carolina at Chapel Hill
Classification: Uncertain significance for Primary ciliary dyskinesia. Last evaluated: 2018-12-21. Review status: criteria provided, single submitter. Criteria: ACMG Guidelines, 2015. Collection method: clinical testing. Allele origin: germline. Observed: 1 heterozygote.